The following is an entry in ClinVar:

NM_177550.5(SLC13A5):c.369-148C>T

Gene: SLC13A5 (solute carrier family 13 member 5; minus strand). Cytogenetic location: 17p13.1.
Variant type: single nucleotide variant.
Coding change: c.369-148C>T on transcript NM_177550.5 (MANE Select); 148 bases into the intron before coding-DNA position 369, C replaced by T.
Molecular consequence: intron variant.
Genome position (GRCh38, 1-based): chr17:6,704,204, G>A on the plus strand (C>T on the coding strand, the complement: SLC13A5 is on the minus strand). VCF-style: chr17-6704204-G-A. GRCh37 (hg19) VCF-style: chr17-6607523-G-A.
Other names: c.240-148C>T (NM_001284510.2); c.369-199C>T (NM_001284509.2); c.369-148C>T (NM_001143838.3).
Identifiers: ClinVar variation 673062 (VCV000673062.1), dbSNP rs8076962, ClinGen allele CA8331742.

ClinVar aggregate classification (germline): Benign (1 of 4 stars; one submission).

Allele frequency attached by ClinVar (database versions not stated): gnomAD exomes 0.00332 and 0.00605; ExAC 0.00711; gnomAD 0.02419 and 0.02583; 1000 Genomes Project 0.02636; TOPMed 0.02736; 1000 Genomes Project 30x 0.02811.
gnomAD v4.1: 6,101 of 849,098 alleles (0.72%); highest among the groups gnomAD compares: African/African-American, 8.3%; 210 homozygotes.

Submission:

GeneDx
Classification: Benign. Last evaluated: 2018-06-19. Review status: criteria provided, single submitter. Criteria: GeneDx Variant Classification (06012015). Collection method: clinical testing. Allele origin: germline. Affected: yes.
Comment: This variant is considered likely benign or benign based on one or more of the following criteria: it is a conservative change, it occurs at a poorly conserved position in the protein, it is predicted to be benign by multiple in silico algorithms, and/or has population frequency not consistent with disease.